The following is an entry in ClinVar:

NM_001267727.2(ARSG):c.1279C>T (p.Arg427Cys)

Gene: ARSG (arylsulfatase G; plus strand). Cytogenetic location: 17q24.2.
Variant type: single nucleotide variant.
Coding change: c.1279C>T on transcript NM_001267727.2 (MANE Select); coding-DNA position 1279, C replaced by T.
Protein change: p.Arg427Cys; replaces arginine 427 with cysteine.
Molecular consequence: missense variant.
Genome position (GRCh38, 1-based): chr17:68,401,426, C>T. VCF-style: chr17-68401426-C-T. GRCh37 (hg19) VCF-style: chr17-66397567-C-T.
Other names: c.1279C>T, p.Arg427Cys (NM_001352899.2, NM_001352900.2, NM_001352901.2 and 3 more transcripts); c.1276C>T, p.Arg426Cys (NM_001352903.2, NM_001352904.2, NM_001352905.2 and 2 more transcripts); c.1231C>T, p.Arg411Cys (NM_001352909.2); c.1279C>T (NM_014960.3); short protein forms R411C, R426C, R427C.
Identifiers: ClinVar variation 1064137 (VCV001064137.9), dbSNP rs781372500, ClinGen allele CA8728534.

ClinVar aggregate classification (germline): Uncertain significance. Review status: criteria provided, multiple submitters, no conflicts (2 of 4 stars). 2 submissions from 2 submitters: Uncertain significance (2). Last evaluated 2025-03-08.

Allele frequency attached by ClinVar (database versions not stated): TOPMed 0.00002; gnomAD 0.00003.
gnomAD v4.1: 25 of 1,613,910 alleles (0.0015%); highest among the groups gnomAD compares: East Asian, 0.04%; no homozygotes.

Submissions (2):

Ambry Genetics
Classification: Uncertain significance. Last evaluated: 2025-03-08. Review status: criteria provided, single submitter. Criteria: Ambry Variant Classification Scheme 2023. Collection method: clinical testing. Allele origin: germline.

Labcorp Genetics (formerly Invitae), Labcorp
Classification: Uncertain significance. Last evaluated: 2022-11-01. Review status: criteria provided, single submitter. Criteria: Invitae Variant Classification Sherloc (09022015). Collection method: clinical testing. Allele origin: germline.
Comment: This variant is present in population databases (rs781372500, gnomAD 0.05%). This sequence change replaces arginine, which is basic and polar, with cysteine, which is neutral and slightly polar, at codon 427 of the ARSG protein (p.Arg427Cys). This variant has not been reported in the literature in individuals affected with ARSG-related conditions. In summary, the available evidence is currently insufficient to determine the role of this variant in disease. Therefore, it has been classified as a Variant of Uncertain Significance. Advanced modeling of protein sequence and biophysical properties (such as structural, functional, and spatial information, amino acid conservation, physicochemical variation, residue mobility, and thermodynamic stability) performed at Invitae indicates that this missense variant is not expected to disrupt ARSG protein function. ClinVar contains an entry for this variant (Variation ID: 1064137).